The following is an entry in ClinVar:

ClinVar aggregate classification (germline): Uncertain significance (1 of 4 stars; one submission).

Conditions:
Developmental and epileptic encephalopathy. Identifiers: MedGen C5779964, MONDO:0100620.

Allele frequency attached by ClinVar (database versions not stated): gnomAD exomes 0.00001; TOPMed 0.00001.
gnomAD v4.1: 3 of 1,614,206 alleles (0.00019%); highest among the groups gnomAD compares: Admixed American, 0.005%; no homozygotes.

Submission:

Labcorp Genetics (formerly Invitae), Labcorp
Classification: Uncertain significance for Early-infantile DEE. Last evaluated: 2022-07-19. Review status: criteria provided, single submitter. Criteria: Invitae Variant Classification Sherloc (09022015). Collection method: clinical testing. Allele origin: germline.
Comment: This sequence change replaces threonine, which is neutral and polar, with isoleucine, which is neutral and non-polar, at codon 750 of the KCNH5 protein (p.Thr750Ile). This variant is present in population databases (no rsID available, gnomAD 0.009%). This variant has not been reported in the literature in individuals affected with KCNH5-related conditions. ClinVar contains an entry for this variant (Variation ID: 1055057). Advanced modeling of protein sequence and biophysical properties (such as structural, functional, and spatial information, amino acid conservation, physicochemical variation, residue mobility, and thermodynamic stability) performed at Invitae indicates that this missense variant is not expected to disrupt KCNH5 protein function. In summary, the available evidence is currently insufficient to determine the role of this variant in disease. Therefore, it has been classified as a Variant of Uncertain Significance.

NM_139318.5(KCNH5):c.2249C>T (p.Thr750Ile)

Gene: KCNH5 (potassium voltage-gated channel subfamily H member 5; minus strand). Cytogenetic location: 14q23.2.
Variant type: single nucleotide variant.
Coding change: c.2249C>T on transcript NM_139318.5 (MANE Select); coding-DNA position 2249, C replaced by T.
Protein change: p.Thr750Ile; replaces threonine 750 with isoleucine.
Molecular consequence: missense variant. On other transcripts: 3 prime UTR variant (1).
Genome position (GRCh38, 1-based): chr14:62,708,226, G>A on the plus strand (C>T on the coding strand, the complement: KCNH5 is on the minus strand). VCF-style: chr14-62708226-G-A. GRCh37 (hg19) VCF-style: chr14-63174944-G-A.
Other names: c.*216C>T (NM_172375.3); short protein forms T750I.
Identifiers: ClinVar variation 1055057 (VCV001055057.7), dbSNP rs1359517285, ClinGen allele CA390101020.